The following is an entry in ClinVar:

ClinVar aggregate classification (germline): Uncertain significance (1 of 4 stars; one submission).

gnomAD v4.1: 14 of 1,613,438 alleles (0.00087%); highest among the groups gnomAD compares: Non-Finnish European, 0.0012%; no homozygotes.

Submission:

Labcorp Genetics (formerly Invitae), Labcorp
Classification: Uncertain significance. Last evaluated: 2025-03-31. Review status: criteria provided, single submitter. Criteria: Invitae Variant Classification Sherloc (09022015). Collection method: clinical testing. Allele origin: germline.
Comment: This sequence change replaces proline, which is neutral and non-polar, with alanine, which is neutral and non-polar, at codon 1058 of the IMPG2 protein (p.Pro1058Ala). This variant is present in population databases (no rsID available, gnomAD 0.0009%). This variant has not been reported in the literature in individuals affected with IMPG2-related conditions. ClinVar contains an entry for this variant (Variation ID: 1507844). Invitae Evidence Modeling of protein sequence and biophysical properties (such as structural, functional, and spatial information, amino acid conservation, physicochemical variation, residue mobility, and thermodynamic stability) has been performed for this missense variant. However, the output from this modeling did not meet the statistical confidence thresholds required to predict the impact of this variant on IMPG2 protein function. In summary, the available evidence is currently insufficient to determine the role of this variant in disease. Therefore, it has been classified as a Variant of Uncertain Significance.

NM_016247.4(IMPG2):c.3172C>G (p.Pro1058Ala)

Gene: IMPG2 (interphotoreceptor matrix proteoglycan 2; minus strand). Cytogenetic location: 3q12.3.
Variant type: single nucleotide variant.
Coding change: c.3172C>G on transcript NM_016247.4 (MANE Select); coding-DNA position 3172, C replaced by G.
Protein change: p.Pro1058Ala; replaces proline 1058 with alanine.
Molecular consequence: missense variant.
Genome position (GRCh38, 1-based): chr3:101,232,842, G>C on the plus strand (C>G on the coding strand, the complement: IMPG2 is on the minus strand). VCF-style: chr3-101232842-G-C. GRCh37 (hg19) VCF-style: chr3-100951686-G-C.
Other names: short protein forms P1058A.
Identifiers: ClinVar variation 1507844 (VCV001507844.6), dbSNP rs1176943043, ClinGen allele CA353849860.
Genomic context (GRCh38, chr3:101,232,842, plus strand): 5'-TACAAATGGCCCCGTGCCCAGGCATAATGTCACACTTTCCATCATTCAAGCAGAAGTCAG[G>C]CTGTAGGTCACAGAGACTCTGACAGGGCCGTTCTTCCACACTCAGGTATCCAGGGAAGCA-3'
Protein context (NP_057331.2, residues 1048-1068): RPCQSLCDLQ[Pro1058Ala]DFCLNDGKCD